The following is an entry in ClinVar:

NM_001277115.2(DNAH11):c.10285C>A (p.Arg3429Ser)

Gene: DNAH11 (dynein axonemal heavy chain 11; plus strand). Cytogenetic location: 7p15.3.
Variant type: single nucleotide variant.
Coding change: c.10285C>A on transcript NM_001277115.2 (MANE Select); coding-DNA position 10285, C replaced by A.
Protein change: p.Arg3429Ser; replaces arginine 3429 with serine.
Molecular consequence: missense variant.
Genome position (GRCh38, 1-based): chr7:21,808,002, C>A. VCF-style: chr7-21808002-C-A. GRCh37 (hg19) VCF-style: chr7-21847620-C-A.
Other names: NM_001277115.2:c.10285C>A; short protein forms R3429S.
Identifiers: ClinVar variation 3776945 (VCV003776945.1).
Genomic context (GRCh38, chr7:21,808,002, plus strand): 5'-GGAGATGTTCTTCTCACGGCGGCATTTGTGTCTTACGTCGGACCCTTCACAAGGCAGTAT[C>A]GCCAGGAGCTGGTGCACTGCAAGTGGGTTCCCTTTCTTCAACAGAAGGTAAGTTCAGTTC-3'
Protein context (NP_001264044.1, residues 3419-3439): SYVGPFTRQY[Arg3429Ser]QELVHCKWVP

ClinVar aggregate classification (germline): Uncertain significance (1 of 4 stars; one submission).

Conditions:
Primary ciliary dyskinesia 7. Also called: CILIARY DYSKINESIA, PRIMARY, 7, WITH OR WITHOUT SITUS INVERSUS. Identifiers: Orphanet 244, MedGen C2678473, MONDO:0012748, OMIM 611884.

Submission:

Broad Center for Mendelian Genomics, Broad Institute of MIT and Harvard
Classification: Uncertain significance for Primary ciliary dyskinesia 7. Last evaluated: 2025-02-19. Review status: criteria provided, single submitter. Criteria: ACMG Guidelines, 2015. Collection method: curation. Allele origin: germline. Inheritance: Autosomal recessive inheritance.
Comment: The p.Arg3429Ser variant in DNAH11 has been reported in 1 individual with primary ciliary dyskinesia (PMID: 26139845), and has been identified in 0.00009% (1/1161380) of European (non-Finnish) chromosomes by the Genome Aggregation Database (gnomAD). Although this variant has been seen in the general population in a heterozygous state, its frequency is low enough to be consistent with a recessive carrier frequency. Computational prediction tools and conservation analyses suggest that this variant may impact the protein, though this information is not predictive enough to determine pathogenicity. One additional likely pathogenic variant, resulting in a different amino acid change at the same position, p.Arg3429His, has been reported in association with disease in ClinVar, slightly supporting that a change at this position may not be tolerated (Variation ID: 665934). In summary, the clinical significance of the p.Arg3429Ser variant is uncertain. ACMG/AMP Criteria applied: PP3, PM2_supporting, PM5_supporting (Richards 2015).